The following is an entry in ClinVar:

ClinVar aggregate classification (germline): Uncertain significance (1 of 4 stars; one submission).

Conditions:
Charcot-Marie-Tooth disease axonal type 2V. Also called: CHARCOT-MARIE-TOOTH NEUROPATHY, TYPE 2V; CHARCOT-MARIE-TOOTH DISEASE, AXONAL, AUTOSOMAL DOMINANT, TYPE 2V. Identifiers: Orphanet 447964, MedGen C5569050, MONDO:0014665, OMIM 616491.
Mucopolysaccharidosis, MPS-III-B (MPS3B). Also called: N-ACETYL-ALPHA-D-GLUCOSAMINIDASE DEFICIENCY; NAGLU DEFICIENCY; SANFILIPPO SYNDROME B; MPS III B; MUCOPOLYSACCHARIDOSIS, TYPE IIIB; Mucopolysaccharidosis type IIIB (Sanfilippo B). Identifiers: Orphanet 79270, MedGen C0086648, MONDO:0009656, OMIM 252920.

Allele frequency attached by ClinVar (database versions not stated): gnomAD exomes 0.00001; gnomAD 0.00003; 1000 Genomes Project 30x 0.00016; 1000 Genomes Project 0.00020; TOPMed below 0.00001; ExAC 0.00001.
gnomAD v4.1: 19 of 1,613,696 alleles (0.0012%); highest among the groups gnomAD compares: Admixed American, 0.0017%; no homozygotes.

Submission:

Labcorp Genetics (formerly Invitae), Labcorp
Classification: Uncertain significance for Charcot-Marie-Tooth disease axonal type 2V; Mucopolysaccharidosis, MPS-III-B. Last evaluated: 2022-07-19. Review status: criteria provided, single submitter. Criteria: Invitae Variant Classification Sherloc (09022015). Collection method: clinical testing. Allele origin: germline.
Comment: This sequence change replaces arginine, which is basic and polar, with cysteine, which is neutral and slightly polar, at codon 375 of the NAGLU protein (p.Arg375Cys). This variant is present in population databases (rs534847909, gnomAD 0.005%). This variant has not been reported in the literature in individuals affected with NAGLU-related conditions. Algorithms developed to predict the effect of missense changes on protein structure and function are either unavailable or do not agree on the potential impact of this missense change (SIFT: "Tolerated"; PolyPhen-2: "Possibly Damaging"; Align-GVGD: "Class C0"). In summary, the available evidence is currently insufficient to determine the role of this variant in disease. Therefore, it has been classified as a Variant of Uncertain Significance.

NM_000263.4(NAGLU):c.1123C>T (p.Arg375Cys)

Gene: NAGLU (N-acetyl-alpha-glucosaminidase; plus strand). Cytogenetic location: 17q21.2.
Variant type: single nucleotide variant.
Coding change: c.1123C>T on transcript NM_000263.4 (MANE Select); coding-DNA position 1123, C replaced by T.
Protein change: p.Arg375Cys; replaces arginine 375 with cysteine.
Molecular consequence: missense variant.
Genome position (GRCh38, 1-based): chr17:42,543,129, C>T. VCF-style: chr17-42543129-C-T. GRCh37 (hg19) VCF-style: chr17-40695147-C-T.
Other names: short protein forms R375C.
Identifiers: ClinVar variation 2189711 (VCV002189711.1), dbSNP rs534847909, ClinGen allele CA8576965.
Genomic context (GRCh38, chr17:42,543,129, plus strand): 5'-CAGCACCAGCCGCAGTTCTGGGGGCCCGCCCAGATCAGGGCTGTGCTGGGAGCTGTGCCC[C>T]GTGGCCGCCTCCTGGTTCTGGACCTGTTTGCTGAGAGCCAGCCTGTGTATACCCGCACTG-3'
Protein context (NP_000254.2, residues 365-385): QIRAVLGAVP[Arg375Cys]GRLLVLDLFA